The following is an entry in ClinVar:

ClinVar aggregate classification (germline): Uncertain significance. Review status: criteria provided, multiple submitters, no conflicts (2 of 4 stars). 2 submissions from 2 submitters: Uncertain significance (2). Last evaluated 2025-08-10.

Conditions:
Inborn genetic diseases. Identifiers: MedGen C0950123, MeSH D030342.

Allele frequency attached by ClinVar (database versions not stated): ExAC 0.00001; gnomAD exomes 0.00001 and 0.00002; gnomAD 0.00002 and 0.00003; TOPMed 0.00004.
gnomAD v4.1: 27 of 1,610,018 alleles (0.0017%); highest among the groups gnomAD compares: Non-Finnish European, 0.0022%; no homozygotes.

Submissions (2):

Ambry Genetics
Classification: Uncertain significance for Inborn genetic diseases. Last evaluated: 2025-08-10. Review status: criteria provided, single submitter. Criteria: Ambry Variant Classification Scheme 2023. Collection method: clinical testing. Allele origin: germline.

Labcorp Genetics (formerly Invitae), Labcorp
Classification: Uncertain significance. Last evaluated: 2024-12-03. Review status: criteria provided, single submitter. Criteria: Invitae Variant Classification Sherloc (09022015). Collection method: clinical testing. Allele origin: germline.
Comment: This sequence change replaces valine, which is neutral and non-polar, with leucine, which is neutral and non-polar, at codon 910 of the ADAMTS10 protein (p.Val910Leu). The frequency data for this variant in the population databases is considered unreliable, as metrics indicate poor data quality at this position in the gnomAD database. This variant has not been reported in the literature in individuals affected with ADAMTS10-related conditions. ClinVar contains an entry for this variant (Variation ID: 1386526). An algorithm developed to predict the effect of missense changes on protein structure and function (PolyPhen-2) suggests that this variant is likely to be tolerated. In summary, the available evidence is currently insufficient to determine the role of this variant in disease. Therefore, it has been classified as a Variant of Uncertain Significance.

NM_030957.4(ADAMTS10):c.2728G>T (p.Val910Leu)

Gene: ADAMTS10 (ADAM metallopeptidase with thrombospondin type 1 motif 10; minus strand). Cytogenetic location: 19p13.2.
Variant type: single nucleotide variant.
Coding change: c.2728G>T on transcript NM_030957.4 (MANE Select); coding-DNA position 2728, G replaced by T.
Protein change: p.Val910Leu; replaces valine 910 with leucine.
Molecular consequence: missense variant.
Genome position (GRCh38, 1-based): chr19:8,585,593, C>A on the plus strand (G>T on the coding strand, the complement: ADAMTS10 is on the minus strand). VCF-style: chr19-8585593-C-A. GRCh37 (hg19) VCF-style: chr19-8650477-C-A.
Other names: c.2728G>T (NM_030957.2); c.1189G>T, p.Val397Leu (NM_001282352.2); short protein forms V910L, V397L.
Identifiers: ClinVar variation 1386526 (VCV001386526.9), dbSNP rs781952434, ClinGen allele CA9160017.